The following is an entry in ClinVar:

NM_000548.5(TSC2):c.1767G>C (p.Met589Ile)

Gene: TSC2 (TSC complex subunit 2; plus strand). Cytogenetic location: 16p13.3.
Variant type: single nucleotide variant.
Coding change: c.1767G>C on transcript NM_000548.5 (MANE Select); coding-DNA position 1767, G replaced by C.
Protein change: p.Met589Ile; replaces methionine 589 with isoleucine.
Molecular consequence: missense variant. On other transcripts: non-coding transcript variant (5).
Genome position (GRCh38, 1-based): chr16:2,070,506, G>C. VCF-style: chr16-2070506-G-C. GRCh37 (hg19) VCF-style: chr16-2120507-G-C.
Other names: c.1755G>C, p.Met585Ile (NM_001406671.1, NM_001406673.1); c.1620G>C, p.Met540Ile (NM_001406675.1, NM_001406676.1, NM_001406679.1 and 1 more transcripts); c.1710G>C, p.Met570Ile (NM_001406677.1); c.1656G>C, p.Met552Ile (NM_001406678.1, NM_001406670.1, NM_001318827.2); c.1167G>C, p.Met389Ile (NM_001406680.1, NM_001318831.2, NM_001406682.1 and 6 more transcripts); c.423G>C, p.Met141Ile (NM_001406690.1, NM_001406691.1, NM_001406692.1 and 6 more transcripts); c.165G>C, p.Met55Ile (NM_001406698.1); c.1767G>C, p.Met589Ile (NM_021055.3, NM_001077183.3, NM_001114382.3 and 6 more transcripts); and 3 more; short protein forms M141I, M389I, M585I, M552I, M435I, M570I, M589I, M619I.
Identifiers: ClinVar variation 2692896 (VCV002692896.4), dbSNP rs1227923469, ClinGen allele CA394272881.
Genomic context (GRCh38, chr16:2,070,506, plus strand): 5'-CTCTCTGCAGACCAAGCTGTACACCCTGCCTGCAAGCCACGCCACGCGTGTGTATGAGAT[G>C]CTGGTCAGCCACATTCAGCTCCACTACAAGCACAGCTACACCCTGCCAATCGCGAGCAGC-3'
Protein context (NP_000539.2, residues 579-599): PASHATRVYE[Met589Ile]LVSHIQLHYK

ClinVar aggregate classification (germline): Uncertain significance. Review status: criteria provided, multiple submitters, no conflicts (2 of 4 stars). 2 submissions from 2 submitters: Uncertain significance (2). Last evaluated 2025-07-10.

Conditions:
Hereditary cancer-predisposing syndrome. Also called: Tumor predisposition; Hereditary neoplastic syndrome; Neoplastic Syndromes, Hereditary; Hereditary Cancer Syndrome. Identifiers: Orphanet 140162, MedGen C0027672, MeSH D009386, MONDO:0015356.
Tuberous sclerosis 2 (TSC2). Identifiers: Orphanet 805, MedGen C1860707, MONDO:0013199, OMIM 613254.

Submissions (2):

Ambry Genetics
Classification: Uncertain significance for Hereditary cancer-predisposing syndrome. Last evaluated: 2025-07-10. Review status: criteria provided, single submitter. Criteria: Ambry Variant Classification Scheme 2023. Collection method: clinical testing. Allele origin: germline.
Comment: The p.M589I variant (also known as c.1767G>C), located in coding exon 16 of the TSC2 gene, results from a G to C substitution at nucleotide position 1767. The methionine at codon 589 is replaced by isoleucine, an amino acid with highly similar properties. This amino acid position is conserved. In addition, this alteration is predicted to be tolerated by in silico analysis. Based on the available evidence, the clinical significance of this variant remains unclear.

Labcorp Genetics (formerly Invitae), Labcorp
Classification: Uncertain significance for Tuberous sclerosis 2. Last evaluated: 2024-06-19. Review status: criteria provided, single submitter. Criteria: Invitae Variant Classification Sherloc (09022015). Collection method: clinical testing. Allele origin: germline.
Comment: This sequence change replaces methionine, which is neutral and non-polar, with isoleucine, which is neutral and non-polar, at codon 589 of the TSC2 protein (p.Met589Ile). This variant is not present in population databases (gnomAD no frequency). This variant has not been reported in the literature in individuals affected with TSC2-related conditions. Advanced modeling of protein sequence and biophysical properties (such as structural, functional, and spatial information, amino acid conservation, physicochemical variation, residue mobility, and thermodynamic stability) performed at Invitae indicates that this missense variant is not expected to disrupt TSC2 protein function with a negative predictive value of 95%. In summary, the available evidence is currently insufficient to determine the role of this variant in disease. Therefore, it has been classified as a Variant of Uncertain Significance.